The following is an entry in ClinVar:

ClinVar aggregate classification (germline): Pathogenic. Review status: criteria provided, multiple submitters, no conflicts (2 of 4 stars). 5 submissions from 5 submitters: Pathogenic (5). Last evaluated 2026-08-19.

Conditions:
Dubin-Johnson syndrome (DJS). Also called: Hyperbilirubinemia type 2; HYPERBILIRUBINEMIA, DUBIN-JOHNSON TYPE; Jaundice, Chronic Idiopathic. Identifiers: Orphanet 234, MedGen C0022350, MONDO:0009380, OMIM 237500.

Submissions (5):

Molecular Genetics Laboratory, CHU Lille
Classification: Pathogenic for Dubin-Johnson syndrome. Last evaluated: 2026-08-19. Review status: criteria provided, single submitter. Criteria: ACMG Guidelines, 2015. Collection method: clinical testing. Allele origin: germline. Affected: yes.
Comment: This sequence change creates a premature translational stop signal (p.Asp1073Ter) in the ABCC2 gene, likely leading to an absent or disrupted protein product. This variant is present in population databases at extreme low frequency and has been observed in individuals with Dubin‐Johnson syndrome. For these reasons, this variant has been classified as Pathogenic.

Labcorp Genetics (formerly Invitae), Labcorp
Classification: Pathogenic. Last evaluated: 2025-02-27. Review status: criteria provided, single submitter. Criteria: Invitae Variant Classification Sherloc (09022015). Collection method: clinical testing. Allele origin: germline.
Comment: This sequence change creates a premature translational stop signal (p.Asp1073*) in the ABCC2 gene. It is expected to result in an absent or disrupted protein product. Loss-of-function variants in ABCC2 are known to be pathogenic (PMID: 9185779, 16549534, 16952291). This variant is present in population databases (rs771652807, gnomAD 0.01%). This premature translational stop signal has been observed in individual(s) with Dubin‐Johnson syndrome (PMID: 31544333). ClinVar contains an entry for this variant (Variation ID: 595904). For these reasons, this variant has been classified as Pathogenic.

CeGaT Center for Human Genetics Tuebingen
Classification: Pathogenic. Last evaluated: 2024-09-01. Review status: criteria provided, single submitter. Criteria: CeGaT Center For Human Genetics Tuebingen Variant Classification Criteria Version 2. Collection method: clinical testing. Allele origin: germline. Affected: yes. Observed: 1 variant allele.
Comment: ABCC2: PVS1, PM2, PM3

Revvity Omics, Revvity
Classification: Pathogenic for Dubin-Johnson syndrome. Last evaluated: 2024-04-18. Review status: criteria provided, single submitter. Criteria: ACMG Guidelines, 2015. Collection method: clinical testing. Allele origin: germline.

Eurofins Ntd Llc (ga)
Classification: Pathogenic. Last evaluated: 2018-01-29. Review status: criteria provided, single submitter. Criteria: EGL Classification Definitions 2015. Collection method: clinical testing. Allele origin: germline. Observed: 1 variant allele, 1 heterozygote.

Literature cited by the submitters: PubMed 9185779 (cited by Labcorp Genetics (formerly Invitae), Labcorp); PubMed 16549534 (cited by Labcorp Genetics (formerly Invitae), Labcorp); PubMed 16952291 (cited by Labcorp Genetics (formerly Invitae), Labcorp); PubMed 31544333 (cited by Labcorp Genetics (formerly Invitae), Labcorp).

NM_000392.5(ABCC2):c.3216dup (p.Asp1073Ter)

Gene: ABCC2 (ATP binding cassette subfamily C member 2; plus strand). Cytogenetic location: 10q24.2.
Variant type: Duplication.
Coding change: c.3216dup on transcript NM_000392.5 (MANE Select); coding-DNA position 3216, one base duplicated (T; older notation c.3216dupT).
Protein change: p.Asp1073Ter; replaces aspartic acid 1073 with a stop codon.
Molecular consequence: nonsense.
Genome position (GRCh38, 1-based): chr10:99,832,089, T duplicated; the last of 6 consecutive T bases (chr10:99,832,084-99,832,089); duplicating any one gives the same sequence. VCF-style (leftmost placement, unchanged base first): chr10-99832083-A-AT. GRCh37 (hg19) VCF-style: chr10-101591840-A-AT.
Other names: c.3216dup, p.Asp1073Ter (LRG_1208t1); short protein forms D1073*.
Identifiers: ClinVar variation 595904 (VCV000595904.25), dbSNP rs771652807, ClinGen allele CA5643719.